The following is an entry in ClinVar:

NM_004183.4(BEST1):c.40T>G (p.Leu14Val)

Gene: BEST1 (bestrophin 1; plus strand). Cytogenetic location: 11q12.3.
Variant type: single nucleotide variant.
Coding change: c.40T>G on transcript NM_004183.4 (MANE Select); coding-DNA position 40, T replaced by G.
Protein change: p.Leu14Val; replaces leucine 14 with valine.
Molecular consequence: missense variant. On other transcripts: non-coding transcript variant (1), intron variant (6).
Genome position (GRCh38, 1-based): chr11:61,951,846, T>G. VCF-style: chr11-61951846-T-G. GRCh37 (hg19) VCF-style: chr11-61719318-T-G.
Other names: c.40T>G, p.Leu14Val (NM_001363592.2, NM_001440571.1, NM_001440572.1 and 1 more transcripts); c.-29+1419T>G (NM_001139443.3, NM_001300787.2, NM_001440574.1 and 3 more transcripts); short protein forms L14V.
Identifiers: ClinVar variation 4808125 (VCV004808125.1).

ClinVar aggregate classification (germline): Uncertain significance (1 of 4 stars; one submission).

Submission:

Labcorp Genetics (formerly Invitae), Labcorp
Classification: Uncertain significance. Last evaluated: 2025-02-04. Review status: criteria provided, single submitter. Criteria: Invitae Variant Classification Sherloc (09022015). Collection method: clinical testing. Allele origin: germline.
Comment: This sequence change replaces leucine, which is neutral and non-polar, with valine, which is neutral and non-polar, at codon 14 of the BEST1 protein (p.Leu14Val). This variant is not present in population databases (gnomAD no frequency). This variant has not been reported in the literature in individuals affected with BEST1-related conditions. Invitae Evidence Modeling of protein sequence and biophysical properties (such as structural, functional, and spatial information, amino acid conservation, physicochemical variation, residue mobility, and thermodynamic stability) has been performed for this missense variant. However, the output from this modeling did not meet the statistical confidence thresholds required to predict the impact of this variant on BEST1 protein function. In summary, the available evidence is currently insufficient to determine the role of this variant in disease. Therefore, it has been classified as a Variant of Uncertain Significance.